The following is an entry in ClinVar:

ClinVar aggregate classification (germline): Conflicting classifications of pathogenicity. Review status: criteria provided, conflicting classifications (1 of 4 stars). 2 submissions from 2 submitters: Uncertain significance (1); Likely benign (1). Last evaluated 2025-05-02.

Conditions:
FG syndrome (FGS). Identifiers: MedGen C0220769, MONDO:0002010.
Familial thoracic aortic aneurysm and aortic dissection (TAAD). Also called: Thoracic aortic aneurysms and dissections. Identifiers: Orphanet 91387, MedGen C4707243, MONDO:0019625.

Allele frequency attached by ClinVar (database versions not stated): ExAC 0.00001; gnomAD 0.00001; gnomAD exomes 0.00001; TOPMed 0.00001.
gnomAD v4.1: 11 of 1,208,987 alleles (0.00091%); highest among the groups gnomAD compares: African/African-American, 0.0017%; no homozygotes.

Submissions (2):

Ambry Genetics
Classification: Uncertain significance for Familial thoracic aortic aneurysm and aortic dissection. Last evaluated: 2025-05-02. Review status: criteria provided, single submitter. Criteria: Ambry Variant Classification Scheme 2023. Collection method: clinical testing. Allele origin: germline.
Comment: The p.R2176H variant (also known as c.6527G>A), located in coding exon 45 of the MED12 gene, results from a G to A substitution at nucleotide position 6527. The arginine at codon 2176 is replaced by histidine, an amino acid with highly similar properties. This amino acid position is conserved. In addition, this alteration is predicted to be tolerated by in silico analysis. Based on the available evidence, the clinical significance of this variant remains unclear.

Labcorp Genetics (formerly Invitae), Labcorp
Classification: Likely benign for FG syndrome. Last evaluated: 2022-12-06. Review status: criteria provided, single submitter. Criteria: Invitae Variant Classification Sherloc (09022015). Collection method: clinical testing. Allele origin: germline.

NM_005120.3(MED12):c.6527G>A (p.Arg2176His)

Gene: MED12 (mediator complex subunit 12; plus strand). Cytogenetic location: Xq13.1.
Variant type: single nucleotide variant.
Coding change: c.6527G>A on transcript NM_005120.3 (MANE Select); coding-DNA position 6527, G replaced by A.
Protein change: p.Arg2176His; replaces arginine 2176 with histidine.
Molecular consequence: missense variant.
Genome position (GRCh38, 1-based): chrX:71,142,211, G>A. VCF-style: chrX-71142211-G-A. GRCh37 (hg19) VCF-style: chrX-70362061-G-A.
Other names: c.6527G>A (NM_005120.2); short protein forms R2176H.
Identifiers: ClinVar variation 1984580 (VCV001984580.5), dbSNP rs746914362, ClinGen allele CA10444944.